The following is an entry in ClinVar:

ClinVar aggregate classification (germline): Benign/Likely benign. Review status: criteria provided, multiple submitters, no conflicts (2 of 4 stars). 9 submissions from 9 submitters: Benign (6); Likely benign (2). 1 of the submissions does not count toward it. Last evaluated 2026-01-24.

Conditions:
TSC2-related disorder. Also called: TSC2-Related Disorders; TSC2-related condition.
Hereditary cancer-predisposing syndrome. Also called: Hereditary neoplastic syndrome; Tumor predisposition; Neoplastic Syndromes, Hereditary; Hereditary Cancer Syndrome. Identifiers: Orphanet 140162, MedGen C0027672, MeSH D009386, MONDO:0015356.
Tuberous sclerosis syndrome (TSC). Also called: Tuberous sclerosis; Tuberous Sclerosis Complex. Identifiers: Orphanet 805, MedGen C0041341, MONDO:0001734.
Tuberous sclerosis 2 (TSC2). Identifiers: Orphanet 805, MedGen C1860707, MONDO:0013199, OMIM 613254.

Allele frequency attached by ClinVar (database versions not stated): TOPMed 0.00016; ESP Exome Variant Server 0.00023.

Submissions (9):

Labcorp Genetics (formerly Invitae), Labcorp
Classification: Benign for Tuberous sclerosis 2. Last evaluated: 2026-01-24. Review status: criteria provided, single submitter. Criteria: Invitae Variant Classification Sherloc (09022015). Collection method: clinical testing. Allele origin: germline.

Myriad Genetics, Inc.
Classification: Benign for Tuberous sclerosis 2. Last evaluated: 2025-05-15. Review status: criteria provided, single submitter. Criteria: Myriad Autosomal Dominant, Autosomal Recessive and X-Linked Classification Criteria (2023). Collection method: clinical testing. Allele origin: unknown.
Comment: This variant is considered benign. This variant is a silent/synonymous amino acid change and it is not expected to impact splicing.

All of Us Research Program, National Institutes of Health
Classification: Benign for Tuberous sclerosis syndrome. Last evaluated: 2023-12-18. Review status: criteria provided, single submitter. Criteria: ACMG Guidelines, 2015. Collection method: clinical testing. Allele origin: germline. Inheritance: Autosomal dominant inheritance. Observed: 11 variant alleles, 11 heterozygotes.
Comment: This study involves interpretation of variants in research participants for the purpose of population health screening. Participant phenotype was not available at the time of variant classification. Additional details can be found in publication PMID: 35346344, PMCID: PMC8962531

Color Diagnostics, LLC DBA Color Health
Classification: Benign for Tuberous sclerosis syndrome. Last evaluated: 2022-09-20. Review status: criteria provided, single submitter. Criteria: ACMG Guidelines, 2015. Collection method: clinical testing. Allele origin: germline.

Genome-Nilou Lab
Classification: Benign for Tuberous sclerosis 2. Last evaluated: 2021-11-07. Review status: criteria provided, single submitter. Criteria: ACMG Guidelines, 2015. Collection method: clinical testing. Allele origin: germline. Affected: no.

Sema4
Classification: Benign for Hereditary cancer-predisposing syndrome. Last evaluated: 2021-08-23. Review status: criteria provided, single submitter. Criteria: Sema4 Curation Guidelines. Collection method: curation. Allele origin: germline.

GeneDx
Classification: Likely benign. Last evaluated: 2021-03-01. Review status: criteria provided, single submitter. Criteria: GeneDx Variant Classification Process June 2021. Collection method: clinical testing. Allele origin: germline. Affected: yes.

Ambry Genetics
Classification: Likely benign for Hereditary cancer-predisposing syndrome. Last evaluated: 2018-10-05. Review status: criteria provided, single submitter. Criteria: Ambry Variant Classification Scheme 2023. Collection method: clinical testing. Allele origin: germline.

PreventionGenetics, part of Exact Sciences
Classification: Likely benign for TSC2-related condition. Last evaluated: 2019-03-21. Review status: no assertion criteria provided. Collection method: clinical testing. Allele origin: germline. Not counted in ClinVar's aggregate classification.
Comment: This variant is classified as likely benign based on ACMG/AMP sequence variant interpretation guidelines (Richards et al. 2015 PMID: 25741868, with internal and published modifications).

NM_000548.5(TSC2):c.1626C>A (p.Pro542=)

Gene: TSC2 (TSC complex subunit 2; plus strand). Cytogenetic location: 16p13.3.
Variant type: single nucleotide variant.
Coding change: c.1626C>A on transcript NM_000548.5 (MANE Select); coding-DNA position 1626, C replaced by A.
Protein change: p.Pro542=; no amino-acid change (proline 542 retained).
Molecular consequence: synonymous variant.
Genome position (GRCh38, 1-based): chr16:2,065,545, C>A. VCF-style: chr16-2065545-C-A. GRCh37 (hg19) VCF-style: chr16-2115546-C-A.
Other names: c.1626C>A, p.Pro542= (NM_001077183.3, NM_001114382.3, NM_001363528.2 and 3 more transcripts); c.1515C>A, p.Pro505= (NM_001318827.2); c.1479C>A, p.Pro493= (NM_001318829.2); c.1026C>A, p.Pro342= (NM_001318831.2); c.1659C>A, p.Pro553= (NM_001318832.2); c.1626C>A (NM_000548.4).
Identifiers: ClinVar variation 382718 (VCV000382718.26), dbSNP rs376234285, ClinGen allele CA031832.